The following is an entry in ClinVar:

ClinVar aggregate classification (germline): Likely benign (0 of 4 stars; one submission).

Conditions:
RECQL5-related disorder. Also called: RECQL5-related condition.

Allele frequency attached by ClinVar (database versions not stated): gnomAD 0.00007; gnomAD exomes 0.00007; ESP Exome Variant Server 0.00008; TOPMed 0.00009; ExAC 0.00012.
gnomAD v4.1: 118 of 1,613,772 alleles (0.0073%); highest among the groups gnomAD compares: Non-Finnish European, 0.00085%; no homozygotes.

Submission:

PreventionGenetics, part of Exact Sciences
Classification: Likely benign for RECQL5-related condition. Last evaluated: 2022-09-08. Review status: no assertion criteria provided. Collection method: clinical testing. Allele origin: germline.
Comment: This variant is classified as likely benign based on ACMG/AMP sequence variant interpretation guidelines (Richards et al. 2015 PMID: 25741868, with internal and published modifications).

NM_004259.7(RECQL5):c.2876-4G>A

Gene: RECQL5 (RecQ like helicase 5; minus strand). Cytogenetic location: 17q25.1.
Variant type: single nucleotide variant.
Coding change: c.2876-4G>A on transcript NM_004259.7 (MANE Select); 4 bases into the intron before coding-DNA position 2876, G replaced by A.
Molecular consequence: intron variant.
Genome position (GRCh38, 1-based): chr17:75,627,526, C>T on the plus strand (G>A on the coding strand, the complement: RECQL5 is on the minus strand). VCF-style: chr17-75627526-C-T. GRCh37 (hg19) VCF-style: chr17-73623606-C-T.
Identifiers: ClinVar variation 3032266 (VCV003032266.2), dbSNP rs375543423, ClinGen allele CA8766886.